The following is an entry in ClinVar:

ClinVar aggregate classification (germline): Likely benign (1 of 4 stars; one submission).

Allele frequency attached by ClinVar (database versions not stated): gnomAD exomes below 0.00001.
gnomAD v4.1: 1 of 1,614,110 alleles (0.000062%); highest among the groups gnomAD compares: Non-Finnish European, 0.000085%; no homozygotes.

Submissions (3):

GeneDx
Classification: Likely benign. Last evaluated: 2014-06-19. Review status: criteria provided, single submitter. Criteria: GeneDx Variant Classification (06012015). Collection method: clinical testing. Allele origin: germline. Affected: yes.
Comment: This variant is considered likely benign or benign based on one or more of the following criteria: it is a conservative change, it occurs at a poorly conserved position in the protein, it is predicted to be benign by multiple in silico algorithms, and/or has population frequency not consistent with disease.

Dr. Peter K. Rogan Lab, Western University
No classification provided (evidence only). Condition: Cervical cancer. Review status: no classification provided. Collection method: in vitro. Allele origin: not applicable. Functional consequence: retained intron. Not counted in ClinVar's aggregate classification.

MutSpliceDB: a database of splice sites variants effects on splicing, NIH
No classification provided (evidence only). Review status: no classification provided. Collection method: in vivo. Allele origin: not applicable. Functional consequence: retained intron. Not counted in ClinVar's aggregate classification.

NM_001371596.2(MFSD8):c.1350G>A (p.Gln450=)

Gene: MFSD8 (major facilitator superfamily domain containing 8; minus strand). Cytogenetic location: 4q28.2.
Variant type: single nucleotide variant.
Coding change: c.1350G>A on transcript NM_001371596.2 (MANE Select); coding-DNA position 1350, G replaced by A.
Protein change: p.Gln450=; no amino-acid change (glutamine 450 retained).
Molecular consequence: synonymous variant. On other transcripts: 3 prime UTR variant (1).
Genome position (GRCh38, 1-based): chr4:127,921,524, C>T on the plus strand (G>A on the coding strand, the complement: MFSD8 is on the minus strand). VCF-style: chr4-127921524-C-T. GRCh37 (hg19) VCF-style: chr4-128842679-C-T.
Other names: p.Q450Q:CAG>CAA; NM_001371596.2:c.1350G>A; NC_000004.11:g.128842679C>T; c.1149G>A, p.Gln383= (NM_001363520.3); c.1035G>A, p.Gln345= (NM_001363521.3); c.1215G>A, p.Gln405= (NM_001371590.2); c.1350G>A, p.Gln450= (NM_001371591.2, NM_152778.4); c.1356G>A, p.Gln452= (NM_001371592.2); and 5 more.
Identifiers: ClinVar variation 206141 (VCV000206141.7), dbSNP rs796052738, ClinGen allele CA315945.
Genomic context (GRCh38, chr4:127,921,524, plus strand): 5'-AAATGTTGAGTGCTTACAAGTATATTTTCTATAATTGCAATGTCAGGGTACCTGGCTTAC[C>T]TGAGGTTTTGGTCCTAGAATTTTTGAATATAGAGTATAGGACATAAGATTGCAGACTGGA-3'
Protein context (NP_001358525.1, residues 440-460): LYSKILGPKP[Gln450=]GVYMGWLTAS